The following is an entry in ClinVar:

NM_018180.3(DHX32):c.649T>A (p.Ser217Thr)

Gene: DHX32 (DEAH-box helicase 32 (putative); minus strand). Cytogenetic location: 10q26.2.
Variant type: single nucleotide variant.
Coding change: c.649T>A on transcript NM_018180.3 (MANE Select); coding-DNA position 649, T replaced by A.
Protein change: p.Ser217Thr; replaces serine 217 with threonine.
Molecular consequence: missense variant.
Genome position (GRCh38, 1-based): chr10:125,859,803, A>T on the plus strand (T>A on the coding strand, the complement: DHX32 is on the minus strand). VCF-style: chr10-125859803-A-T. GRCh37 (hg19) VCF-style: chr10-127548372-A-T.
Other names: short protein forms S217T.
Identifiers: ClinVar variation 2006259 (VCV002006259.4), dbSNP rs1479722406, ClinGen allele CA378678677.

ClinVar aggregate classification (germline): Uncertain significance (1 of 4 stars; one submission).

Allele frequency attached by ClinVar (database versions not stated): gnomAD exomes below 0.00001; gnomAD 0.00001; TOPMed 0.00001.
gnomAD v4.1: 6 of 1,613,932 alleles (0.00037%); highest among the groups gnomAD compares: Non-Finnish European, 0.00051%; no homozygotes.

Submission:

Labcorp Genetics (formerly Invitae), Labcorp
Classification: Uncertain significance. Last evaluated: 2022-06-14. Review status: criteria provided, single submitter. Criteria: Invitae Variant Classification Sherloc (09022015). Collection method: clinical testing. Allele origin: germline.
Comment: In summary, the available evidence is currently insufficient to determine the role of this variant in disease. Therefore, it has been classified as a Variant of Uncertain Significance. Algorithms developed to predict the effect of missense changes on protein structure and function output the following: SIFT: "Tolerated"; PolyPhen-2: "Benign"; Align-GVGD: "Class C0". The threonine amino acid residue is found in multiple mammalian species, which suggests that this missense change does not adversely affect protein function. This variant has not been reported in the literature in individuals affected with DHX32-related conditions. This variant is present in population databases (no rsID available, gnomAD 0.002%). This sequence change replaces serine, which is neutral and polar, with threonine, which is neutral and polar, at codon 217 of the DHX32 protein (p.Ser217Thr).